The following is an entry in ClinVar:

NM_018063.5(HELLS):c.628G>A (p.Val210Ile)

Gene: HELLS (helicase, lymphoid specific; plus strand). Cytogenetic location: 10q23.33.
Variant type: single nucleotide variant.
Coding change: c.628G>A on transcript NM_018063.5 (MANE Select); coding-DNA position 628, G replaced by A.
Protein change: p.Val210Ile; replaces valine 210 with isoleucine.
Molecular consequence: missense variant. On other transcripts: 5 prime UTR variant (2).
Genome position (GRCh38, 1-based): chr10:94,574,110, G>A. VCF-style: chr10-94574110-G-A. GRCh37 (hg19) VCF-style: chr10-96333867-G-A.
Other names: c.628G>A, p.Val210Ile (NM_001289067.2, NM_001289069.2, NM_001289070.2 and 1 more transcripts); c.580G>A, p.Val194Ile (NM_001289068.2); c.256G>A, p.Val86Ile (NM_001289071.2); c.214G>A, p.Val72Ile (NM_001289073.2); c.-375G>A (NM_001289074.2); c.-394G>A (NM_001289075.2); short protein forms V194I, V210I, V72I, V86I.
Identifiers: ClinVar variation 1354807 (VCV001354807.5), dbSNP rs1365705057, ClinGen allele CA377659530.

ClinVar aggregate classification (germline): Uncertain significance (1 of 4 stars; one submission).

Allele frequency attached by ClinVar (database versions not stated): gnomAD exomes below 0.00001 and 0.00001; TOPMed below 0.00001.
gnomAD v4.1: 3 of 1,614,086 alleles (0.00019%); highest among the groups gnomAD compares: Non-Finnish European, 0.00025%; no homozygotes.

Submission:

Labcorp Genetics (formerly Invitae), Labcorp
Classification: Uncertain significance. Last evaluated: 2022-09-12. Review status: criteria provided, single submitter. Criteria: Invitae Variant Classification Sherloc (09022015). Collection method: clinical testing. Allele origin: germline.
Comment: This sequence change replaces valine, which is neutral and non-polar, with isoleucine, which is neutral and non-polar, at codon 210 of the HELLS protein (p.Val210Ile). This variant is present in population databases (no rsID available, gnomAD 0.0009%). This variant has not been reported in the literature in individuals affected with HELLS-related conditions. ClinVar contains an entry for this variant (Variation ID: 1354807). Algorithms developed to predict the effect of missense changes on protein structure and function output the following: SIFT: "Tolerated"; PolyPhen-2: "Benign"; Align-GVGD: "Class C0". The isoleucine amino acid residue is found in multiple mammalian species, which suggests that this missense change does not adversely affect protein function. In summary, the available evidence is currently insufficient to determine the role of this variant in disease. Therefore, it has been classified as a Variant of Uncertain Significance.